The following is an entry in ClinVar:

ClinVar aggregate classification (germline): Likely pathogenic (1 of 4 stars; one submission).

Conditions:
Plasma factor XI deficiency.

Submission:

Natera, Inc.
Classification: Likely pathogenic for Plasma factor XI deficiency. Last evaluated: 2025-10-05. Review status: criteria provided, single submitter. Criteria: Natera Variant Classification Schema (03/2026). Collection method: clinical testing. Allele origin: germline.
Comment: The c.811_812delAA variant in F11 is a frameshift variant predicted to shift the reading frame beginning at codon 271 and leads to a stop codon 27 codons downstream. This variant is expected to result in nonsense mediated decay, truncation, or a dysfunctional protein product. This variant is rare in the general population with a frequency below the threshold expected for the associated phenotype(s). Given the available evidence, this variant is classified as Likely Pathogenic.

NM_000128.4(F11):c.811_812del (p.Lys271fs)

Gene: F11 (coagulation factor XI; plus strand). Cytogenetic location: 4q35.2.
Variant type: Deletion.
Coding change: c.811_812del on transcript NM_000128.4 (MANE Select); coding-DNA positions 811 to 812, 2 bases deleted (AA; older notation c.811_812delAA).
Protein change: p.Lys271fs; shifts the reading frame from lysine 271.
Molecular consequence: frameshift variant.
Genome position (GRCh38, 1-based): chr4:186,280,067-186,280,068, AA deleted; deleting any 2 consecutive bases within chr4:186,280,064-186,280,068 gives the same sequence; the c. name uses the placement nearest the transcript's 3' end. VCF-style (leftmost placement, unchanged base first): chr4-186280063-TAA-T. GRCh37 (hg19) VCF-style: chr4-187201217-TAA-T.
Other names: c.811_812del, p.Lys271fs (NM_001440590.1, NM_001440593.1, NM_001440596.1); c.541_542del, p.Lys181fs (NM_001440605.1, NM_001440606.1, NM_001440607.1 and 1 more transcripts); short protein forms K181fs, K271fs.
Identifiers: ClinVar variation 4817503 (VCV004817503.1).